The following is an entry in ClinVar:

NM_000042.3(APOH):c.112A>G (p.Lys38Glu)

Gene: APOH (apolipoprotein H; minus strand). Cytogenetic location: 17q24.2.
Variant type: single nucleotide variant.
Coding change: c.112A>G on transcript NM_000042.3 (MANE Select); coding-DNA position 112, A replaced by G.
Protein change: p.Lys38Glu; replaces lysine 38 with glutamic acid.
Molecular consequence: missense variant.
Genome position (GRCh38, 1-based): chr17:66,228,149, T>C on the plus strand (A>G on the coding strand, the complement: APOH is on the minus strand). VCF-style: chr17-66228149-T-C. GRCh37 (hg19) VCF-style: chr17-64224267-T-C.
Other names: short protein forms K38E.
Identifiers: ClinVar variation 96713 (VCV000096713.3), dbSNP rs398124629, ClinGen allele CA224420.

ClinVar aggregate classification (germline): Likely pathogenic (0 of 4 stars; one submission).

Allele frequency attached by ClinVar (database versions not stated): gnomAD exomes below 0.00001; TOPMed 0.00001.
gnomAD v4.1: 1 of 1,614,184 alleles (0.000062%); highest among the groups gnomAD compares: East Asian, 0.0022%; no homozygotes.

Submission:

Hubei Clinical and Research Center of Thrombosis and Hemostasis Institute of Hematology, Union Hospital
Classification: Likely pathogenic. Review status: no assertion criteria provided. Collection method: not provided. Allele origin: unknown.
ClinVar note: Converted during submission from probable-pathogenic to Likely pathogenic.